The following is an entry in ClinVar:

ClinVar aggregate classification (germline): Pathogenic (1 of 4 stars; one submission).

Conditions:
Phelan-McDermid syndrome. Also called: Phelan-McDermid Syndrome-SHANK3 Related; TELOMERIC 22q13 MONOSOMY SYNDROME; 22q13.3 deletion syndrome. Identifiers: Orphanet 48652, MedGen C1853490, MONDO:0011652, OMIM 606232.

Submission:

3billion
Classification: Pathogenic for Phelan-McDermid syndrome. Last evaluated: 2025-06-27. Review status: criteria provided, single submitter. Criteria: ACMG Guidelines, 2015. Collection method: clinical testing. Allele origin: germline. Affected: yes.
Comment: The variant is observed at an extremely low frequency in the gnomAD v4.1.0 dataset (total allele frequency: <0.001%). Predicted Consequence/Location: Stop-gained (nonsense): predicted to result in a loss or disruption of normal protein function through nonsense-mediated decay (NMD) or protein truncation. Multiple pathogenic variants are reported downstream of the variant. The variant has been reported to be associated with SHANK3-related disorder (ClinVar ID: VCV002442348). Therefore, this variant is classified as Pathogenic according to the recommendation of ACMG/AMP guideline.

NM_001372044.2(SHANK3):c.3529C>T (p.Leu1177=)

Gene: SHANK3 (SH3 and multiple ankyrin repeat domains 3; plus strand). Cytogenetic location: 22q13.33.
Variant type: single nucleotide variant.
Coding change: c.3529C>T on transcript NM_001372044.2 (MANE Select); coding-DNA position 3529, C replaced by T.
Protein change: p.Leu1177=; no amino-acid change (leucine 1177 retained).
Molecular consequence: synonymous variant.
Genome position (GRCh38, 1-based): chr22:50,721,137, C>T. VCF-style: chr22-50721137-C-T. GRCh37 (hg19) VCF-style: chr22-51159565-C-T.
Identifiers: ClinVar variation 4854892 (VCV004854892.1).